The following is an entry in ClinVar:

NM_002474.3(MYH11):c.3272A>T (p.Glu1091Val)

Gene: MYH11 (myosin heavy chain 11; minus strand). Cytogenetic location: 16p13.11.
Variant type: single nucleotide variant.
Coding change: c.3272A>T on transcript NM_002474.3 (MANE Select); coding-DNA position 3272, A replaced by T.
Protein change: p.Glu1091Val; replaces glutamic acid 1091 with valine.
Molecular consequence: missense variant.
Genome position (GRCh38, 1-based): chr16:15,737,470, T>A on the plus strand (A>T on the coding strand, the complement: MYH11 is on the minus strand). VCF-style: chr16-15737470-T-A. GRCh37 (hg19) VCF-style: chr16-15831327-T-A.
Other names: c.3293A>T, p.Glu1098Val (NM_001040113.2, NM_001040114.2); c.3272A>T, p.Glu1091Val (NM_022844.3); short protein forms E1091V, E1098V.
Identifiers: ClinVar variation 3070053 (VCV003070053.2), dbSNP rs1375253334, ClinGen allele CA394862783.

ClinVar aggregate classification (germline): Uncertain significance. Review status: criteria provided, multiple submitters, no conflicts (2 of 4 stars). 2 submissions from 2 submitters: Uncertain significance (2). Last evaluated 2024-02-28.

Conditions:
Familial thoracic aortic aneurysm and aortic dissection (TAAD). Also called: Thoracic aortic aneurysms and dissections. Identifiers: Orphanet 91387, MedGen C4707243, MONDO:0019625.

Allele frequency attached by ClinVar (database versions not stated): gnomAD exomes below 0.00001.
gnomAD v4.1: 2 of 1,613,266 alleles (0.00012%); highest among the groups gnomAD compares: East Asian, 0.0022%; no homozygotes.

Submissions (2):

Ambry Genetics
Classification: Uncertain significance for Familial thoracic aortic aneurysm and aortic dissection. Last evaluated: 2024-02-28. Review status: criteria provided, single submitter. Criteria: Ambry Variant Classification Scheme 2023. Collection method: clinical testing. Allele origin: germline.
Comment: The p.E1091V variant (also known as c.3272A>T), located in coding exon 24 of the MYH11 gene, results from an A to T substitution at nucleotide position 3272. The glutamic acid at codon 1091 is replaced by valine, an amino acid with dissimilar properties. This amino acid position is conserved. In addition, this alteration is predicted to be deleterious by in silico analysis. Based on the available evidence, the clinical significance of this alteration remains unclear.

All of Us Research Program, National Institutes of Health
Classification: Uncertain significance for Familial thoracic aortic aneurysm and aortic dissection. Last evaluated: 2023-04-03. Review status: criteria provided, single submitter. Criteria: ACMG Guidelines, 2015. Collection method: clinical testing. Allele origin: germline. Inheritance: Autosomal dominant inheritance. Observed: 1 variant allele, 1 heterozygote.
Comment: This missense variant replaces glutamic acid with valine at codon 1098 of the MYH11 protein. Computational prediction suggests that this variant may have deleterious impact on protein structure and function (internally defined REVEL score threshold >= 0.7, PMID: 27666373). To our knowledge, functional studies have not been reported for this variant. This variant has not been reported in individuals affected with MYH11-related disorders in the literature. This variant has been identified in 1/250970 chromosomes in the general population by the Genome Aggregation Database (gnomAD). The available evidence is insufficient to determine the role of this variant in disease conclusively. Therefore, this variant is classified as a Variant of Uncertain Significance.

This study involves interpretation of variants in research participants for the purpose of population health screening. Participant phenotype was not available at the time of variant classification. Additional details can be found in publication PMID: 35346344, PMCID: PMC8962531